The following is an entry in ClinVar:

ClinVar aggregate classification (germline): Uncertain significance. Review status: criteria provided, multiple submitters, no conflicts (2 of 4 stars). 5 submissions from 5 submitters: Uncertain significance (5). Last evaluated 2025-12-30.

Conditions:
INVS-related disorder. Also called: INVS-related condition.
Inborn genetic diseases. Identifiers: MedGen C0950123, MeSH D030342.
Infantile nephronophthisis (NPHP2). Also called: Nephronophthisis 2, infantile; Nephronophthisis 2. Identifiers: Orphanet 655, Orphanet 93591, MedGen C1865872, MONDO:0011190, OMIM 602088.

Allele frequency attached by ClinVar (database versions not stated): gnomAD exomes below 0.00001; ExAC 0.00001; gnomAD 0.00001; TOPMed 0.00001; ESP Exome Variant Server 0.00008.
gnomAD v4.1: 2 of 1,613,962 alleles (0.00012%); highest among the groups gnomAD compares: Non-Finnish European, 0.00017%; no homozygotes.

Submissions (5):

PreventionGenetics, part of Exact Sciences
Classification: Uncertain significance for INVS-related condition. Last evaluated: 2025-12-30. Review status: criteria provided, single submitter. Criteria: ACMG Guidelines, 2015. Collection method: clinical testing. Allele origin: germline.
Comment: The INVS c.520A>C variant is predicted to result in the amino acid substitution p.Asn174His. To our knowledge, this variant has not been reported in the literature. This variant is reported in 0.0065% of alleles in individuals of European (Non-Finnish) descent in gnomAD. At this time, the clinical significance of this variant is uncertain due to the absence of conclusive functional and genetic evidence.

Mayo Clinic Laboratories, Mayo Clinic
Classification: Uncertain significance. Last evaluated: 2025-10-07. Review status: criteria provided, single submitter. Criteria: ACMG Guidelines, 2015. Collection method: clinical testing. Allele origin: germline. Observed: 1 variant allele.

Ambry Genetics
Classification: Uncertain significance for Inborn genetic diseases. Last evaluated: 2025-08-23. Review status: criteria provided, single submitter. Criteria: Ambry Variant Classification Scheme 2023. Collection method: clinical testing. Allele origin: germline.

Fulgent Genetics
Classification: Uncertain significance for Infantile nephronophthisis. Last evaluated: 2021-10-28. Review status: criteria provided, single submitter. Criteria: ACMG Guidelines, 2015. Collection method: clinical testing. Allele origin: unknown.

Eurofins Ntd Llc (ga)
Classification: Uncertain significance. Last evaluated: 2018-08-30. Review status: criteria provided, single submitter. Criteria: EGL ClinVar v180209 classification definitions. Collection method: clinical testing. Allele origin: germline. Observed: 1 variant allele, 1 heterozygote.

NM_014425.5(INVS):c.520A>C (p.Asn174His)

Gene: INVS (inversin; plus strand). Cytogenetic location: 9q31.1.
Variant type: single nucleotide variant.
Coding change: c.520A>C on transcript NM_014425.5 (MANE Select); coding-DNA position 520, A replaced by C.
Protein change: p.Asn174His; replaces asparagine 174 with histidine.
Molecular consequence: missense variant. On other transcripts: 5 prime UTR variant (1), non-coding transcript variant (1).
Genome position (GRCh38, 1-based): chr9:100,229,732, A>C. VCF-style: chr9-100229732-A-C. GRCh37 (hg19) VCF-style: chr9-102992014-A-C.
Other names: p.Asn174His; c.520A>C (NM_014425.4, NM_014425.2); c.232A>C, p.Asn78His (NM_001318381.2); c.-470A>C (NM_001318382.2); short protein forms N174H, N78H.
Identifiers: ClinVar variation 598601 (VCV000598601.9), dbSNP rs370730139, ClinGen allele CA5158182.
Genomic context (GRCh38, chr9:100,229,732, plus strand): 5'-CATTGGAGTGCCTACTACAATAACCCTGAGCATGTGAAGCTGCTCATCAAGCATGATTCT[A>C]ACATTGGGATTCCTGATGTTGAAGGCAAGATCCCACTTCACTGGGCAGCCAACCATAAAG-3'
Protein context (NP_055240.2, residues 164-184): HVKLLIKHDS[Asn174His]IGIPDVEGKI